The following is an entry in ClinVar:

NM_001320.7(CSNK2B):c.475T>C (p.Phe159Leu)

Gene: CSNK2B (casein kinase 2 beta; plus strand). Cytogenetic location: 6p21.33.
Variant type: single nucleotide variant.
Coding change: c.475T>C on transcript NM_001320.7 (MANE Select); coding-DNA position 475, T replaced by C.
Protein change: p.Phe159Leu; replaces phenylalanine 159 with leucine.
Molecular consequence: missense variant.
Genome position (GRCh38, 1-based): chr6:31,669,426, T>C. VCF-style: chr6-31669426-T-C. GRCh37 (hg19) VCF-style: chr6-31637203-T-C.
Other names: c.466T>C, p.Phe156Leu (NM_001282385.2); short protein forms F156L, F159L.
Identifiers: ClinVar variation 3600481 (VCV003600481.1).

ClinVar aggregate classification (germline): Uncertain significance (1 of 4 stars; one submission).

Conditions:
Poirier-Bienvenu neurodevelopmental syndrome (POBINDS). Identifiers: Orphanet 689397, MedGen C5231482, MONDO:0032889, OMIM 618732.

gnomAD v4.1: 1 of 1,614,112 alleles (0.000062%); highest among the groups gnomAD compares: Non-Finnish European, 0.000085%; no homozygotes.

Submission:

Clinical Genomics Laboratory, Washington University in St. Louis
Classification: Uncertain significance for Poirier-Bienvenu neurodevelopmental syndrome. Last evaluated: 2024-07-15. Review status: criteria provided, single submitter. Criteria: ACMG Guidelines, 2015. Collection method: clinical testing. Allele origin: germline.
Comment: The CSNK2B c.475T>C (p.Phe159Leu) variant, to our knowledge, has not been reported in the medical literature. This variant is absent from the general population (gnomAD v.2.1.1), indicating it is not a common variant. Computational predictors are uncertain as to the impact of this variant on CSNK2B function. Due to limited information, and based on ACMG/AMP guidelines for variant interpretation (Richards S et al., PMID: 25741868), the clinical significance of this variant is uncertain at this time.